The following is an entry in ClinVar:

ClinVar aggregate classification (germline): Pathogenic (1 of 4 stars; one submission).

Conditions:
Glycogen storage disease IXb (GSD9B). Also called: GLYCOGENOSIS OF LIVER AND MUSCLE, AUTOSOMAL RECESSIVE; GSD IXb; PHOSPHORYLASE KINASE DEFICIENCY OF LIVER AND MUSCLE, AUTOSOMAL RECESSIVE. Identifiers: Orphanet 79240, MedGen C0543514, MONDO:0009868, OMIM 261750.

Submission:

Labcorp Genetics (formerly Invitae), Labcorp
Classification: Pathogenic for Glycogen storage disease IXb. Last evaluated: 2024-02-20. Review status: criteria provided, single submitter. Criteria: Invitae Variant Classification Sherloc (09022015). Collection method: clinical testing. Allele origin: germline.
Comment: This sequence change creates a premature translational stop signal (p.Gln809Thrfs*10) in the PHKB gene. It is expected to result in an absent or disrupted protein product. Loss-of-function variants in PHKB are known to be pathogenic (PMID: 9215682, 9326319). This variant is present in population databases (rs748959608, gnomAD 0.0009%). This variant has not been reported in the literature in individuals affected with PHKB-related conditions. For these reasons, this variant has been classified as Pathogenic.

Literature cited by the submitters: PubMed 9215682; PubMed 9326319.

NM_000293.3(PHKB):c.2424dup (p.Gln809fs)

Gene: PHKB (phosphorylase kinase regulatory subunit beta; plus strand). Cytogenetic location: 16q12.1.
Variant type: Duplication.
Coding change: c.2424dup on transcript NM_000293.3 (MANE Select); coding-DNA position 2424, one base duplicated (A; older notation c.2424dupA).
Protein change: p.Gln809fs; shifts the reading frame from glutamine 809.
Molecular consequence: frameshift variant. On other transcripts: intron variant (2).
Genome position (GRCh38, 1-based): chr16:47,664,972, A duplicated; the last of 3 consecutive A bases (chr16:47,664,970-47,664,972); duplicating any one gives the same sequence. VCF-style (leftmost placement, unchanged base first): chr16-47664969-G-GA. GRCh37 (hg19) VCF-style: chr16-47698880-G-GA.
Other names: c.2337-970dup (NM_001363837.1); c.2316-970dup (NM_001031835.3); short protein forms Q809fs.
Identifiers: ClinVar variation 3696175 (VCV003696175.2).